The following is an entry in ClinVar:

ClinVar aggregate classification (germline): Pathogenic (1 of 4 stars; one submission).

Conditions:
Familial cancer of breast. Also called: Hereditary breast cancer; BREAST CANCER, FAMILIAL; hereditary breast carcinoma. Identifiers: Orphanet 227535, MedGen C0346153, MONDO:0016419, OMIM 114480. Disease mechanism: loss of function.

Submission:

Myriad Genetics, Inc.
Classification: Pathogenic for Familial cancer of breast. Last evaluated: 2023-06-28. Review status: criteria provided, single submitter. Criteria: Myriad Autosomal Dominant, Autosomal Recessive and X-Linked Classification Criteria (2023). Collection method: clinical testing. Allele origin: unknown.
Comment: This variant is considered pathogenic. This variant creates a frameshift predicted to result in premature protein truncation.

NM_007194.4(CHEK2):c.1318del (p.Ile440fs)

Gene: CHEK2 (checkpoint kinase 2; minus strand). Cytogenetic location: 22q12.1.
Variant type: Deletion.
Coding change: c.1318del on transcript NM_007194.4 (MANE Select); coding-DNA position 1318, one base deleted (A; older notation c.1318delA).
Protein change: p.Ile440fs; shifts the reading frame from isoleucine 440.
Molecular consequence: frameshift variant.
Genome position (GRCh38, 1-based): chr22:28,695,184, T deleted on the plus strand (A on the coding strand, the reverse complement: CHEK2 is on the minus strand). VCF-style (leftmost placement, unchanged base first): chr22-28695183-AT-A. GRCh37 (hg19) VCF-style: chr22-29091171-AT-A.
Other names: c.1447delA, p.Ile483Serfs (NM_001005735.3); c.655delA, p.Ile219Serfs (NM_001257387.3); c.1117delA, p.Ile373Serfs (NM_001349956.3); c.1231delA, p.Ile411Serfs (NM_145862.3); short protein forms I219fs, I373fs, I411fs, I440fs, I483fs.
Identifiers: ClinVar variation 2583465 (VCV002583465.2), dbSNP rs2517796790, ClinGen allele CA2582342768.